The following is an entry in ClinVar:

ClinVar aggregate classification (germline): Likely benign. Review status: criteria provided, multiple submitters, no conflicts (2 of 4 stars). 6 submissions from 6 submitters: Likely benign (6). Last evaluated 2025-09-23.

Conditions:
Marfan syndrome (MFS). Also called: MARFAN SYNDROME, TYPE I; FBN1-Related Marfan Syndrome; Marfan syndrome type 1; Marfan's syndrome; Marfan syndrome, classic. Identifiers: Orphanet 284963, Orphanet 558, MedGen C0024796, MONDO:0007947, OMIM 154700.
Familial thoracic aortic aneurysm and aortic dissection (TAAD). Also called: Thoracic aortic aneurysms and dissections. Identifiers: Orphanet 91387, MedGen C4707243, MONDO:0019625.

Allele frequency attached by ClinVar (database versions not stated): TOPMed 0.00003; gnomAD exomes 0.00003.
gnomAD v4.1: 22 of 1,613,990 alleles (0.0014%); highest among the groups gnomAD compares: Non-Finnish European, 0.0018%; no homozygotes.

Submissions (6):

Labcorp Genetics (formerly Invitae), Labcorp
Classification: Likely benign for Marfan syndrome; Familial thoracic aortic aneurysm and aortic dissection. Last evaluated: 2025-09-23. Review status: criteria provided, single submitter. Criteria: Invitae Variant Classification Sherloc (09022015). Collection method: clinical testing. Allele origin: germline.

All of Us Research Program, National Institutes of Health
Classification: Likely benign for Marfan syndrome. Last evaluated: 2023-12-07. Review status: criteria provided, single submitter. Criteria: ACMG Guidelines, 2015. Collection method: clinical testing. Allele origin: germline. Inheritance: Autosomal dominant inheritance. Observed: 14 variant alleles, 14 heterozygotes.
Comment: This study involves interpretation of variants in research participants for the purpose of population health screening. Participant phenotype was not available at the time of variant classification. Additional details can be found in publication PMID: 35346344, PMCID: PMC8962531

Ambry Genetics
Classification: Likely benign for Familial thoracic aortic aneurysm and aortic dissection. Last evaluated: 2022-07-08. Review status: criteria provided, single submitter. Criteria: Ambry Variant Classification Scheme 2023. Collection method: clinical testing. Allele origin: germline.

CHEO Genetics Diagnostic Laboratory, Children's Hospital of Eastern Ontario
Classification: Likely benign for Familial thoracic aortic aneurysm and aortic dissection. Last evaluated: 2022-03-08. Review status: criteria provided, single submitter. Criteria: ACMG Guidelines, 2015. Collection method: clinical testing. Allele origin: germline.

Color Diagnostics, LLC DBA Color Health
Classification: Likely benign for Familial thoracic aortic aneurysm and aortic dissection. Last evaluated: 2018-10-21. Review status: criteria provided, single submitter. Criteria: ACMG Guidelines, 2015. Collection method: clinical testing. Allele origin: germline.

GeneDx
Classification: Likely benign. Last evaluated: 2018-03-16. Review status: criteria provided, single submitter. Criteria: GeneDx Variant Classification (06012015). Collection method: clinical testing. Allele origin: germline. Affected: yes.
Comment: This variant is considered likely benign or benign based on one or more of the following criteria: it is a conservative change, it occurs at a poorly conserved position in the protein, it is predicted to be benign by multiple in silico algorithms, and/or has population frequency not consistent with disease.

NM_000138.5(FBN1):c.4650C>T (p.Ser1550=)

Gene: FBN1 (fibrillin 1; minus strand). Cytogenetic location: 15q21.1.
Variant type: single nucleotide variant.
Coding change: c.4650C>T on transcript NM_000138.5 (MANE Select); coding-DNA position 4650, C replaced by T.
Protein change: p.Ser1550=; no amino-acid change (serine 1550 retained).
Molecular consequence: synonymous variant.
Genome position (GRCh38, 1-based): chr15:48,468,035, G>A on the plus strand (C>T on the coding strand, the complement: FBN1 is on the minus strand). VCF-style: chr15-48468035-G-A. GRCh37 (hg19) VCF-style: chr15-48760232-G-A.
Identifiers: ClinVar variation 680407 (VCV000680407.16), dbSNP rs933962712, ClinGen allele CA269551704.